The following is an entry in ClinVar:

ClinVar aggregate classification (germline): Uncertain significance (1 of 4 stars; one submission).

Conditions:
Hereditary cancer-predisposing syndrome. Also called: Neoplastic Syndromes, Hereditary; Tumor predisposition; Hereditary Cancer Syndrome; Hereditary neoplastic syndrome. Identifiers: Orphanet 140162, MedGen C0027672, MeSH D009386, MONDO:0015356.

Submission:

Ambry Genetics
Classification: Uncertain significance for Hereditary cancer-predisposing syndrome. Last evaluated: 2023-07-31. Review status: criteria provided, single submitter. Criteria: Ambry Variant Classification Scheme 2023. Collection method: clinical testing. Allele origin: germline.
Comment: The p.T732I variant (also known as c.2195C>T), located in coding exon 13 of the PMS2 gene, results from a C to T substitution at nucleotide position 2195. The threonine at codon 732 is replaced by isoleucine, an amino acid with similar properties. This amino acid position is well conserved in available vertebrate species. In addition, this alteration is predicted to be deleterious by in silico analysis. Since supporting evidence is limited at this time, the clinical significance of this alteration remains unclear.

NM_000535.7(PMS2):c.2195C>T (p.Thr732Ile)

Gene: PMS2 (PMS1 homolog 2, mismatch repair system component; minus strand). Cytogenetic location: 7p22.1.
Variant type: single nucleotide variant.
Coding change: c.2195C>T on transcript NM_000535.7 (MANE Select); coding-DNA position 2195, C replaced by T.
Protein change: p.Thr732Ile; replaces threonine 732 with isoleucine.
Molecular consequence: missense variant. On other transcripts: non-coding transcript variant (1).
Genome position (GRCh38, 1-based): chr7:5,978,676, G>A on the plus strand (C>T on the coding strand, the complement: PMS2 is on the minus strand). VCF-style: chr7-5978676-G-A. GRCh37 (hg19) VCF-style: chr7-6018307-G-A.
Other names: c.1790C>T, p.Thr597Ile (NM_001018040.1, NM_001322003.2, NM_001322004.2 and 15 more transcripts); c.2039C>T, p.Thr680Ile (NM_001322006.2, NM_001406870.1); c.1877C>T, p.Thr626Ile (NM_001322007.2, NM_001322008.2, NM_001406876.1 and 1 more transcripts); c.1634C>T, p.Thr545Ile (NM_001322010.2, NM_001406906.1, NM_001406907.1); c.1262C>T, p.Thr421Ile (NM_001322011.2, NM_001322012.2); c.1622C>T, p.Thr541Ile (NM_001322013.2, NM_001406908.1, NM_001406909.1); c.2195C>T, p.Thr732Ile (NM_001322014.2); c.1886C>T, p.Thr629Ile (NM_001322015.2, NM_001406875.1, NM_001406877.1 and 5 more transcripts); and 14 more; short protein forms T541I, T545I, T577I, T597I, T620I, T666I, T740I, T794I.
Identifiers: ClinVar variation 1787476 (VCV001787476.3), dbSNP rs2128683662, ClinGen allele CA366736874.
Genomic context (GRCh38, chr7:5,978,676, plus strand): 5'-TCAAAGCCATTCTTTCTAAATATTTCCAGATTTTCTATCAGAACAGCTTCATTAACAGCA[G>A]TTAAGTTGAGAGTCTGAGGTCTGAAAAACACAAAAATGATTCAAACCATATCCTGAAGTC-3'
Protein context (NP_000526.2, residues 722-742): RLIAPQTLNL[Thr732Ile]AVNEAVLIEN